The following is an entry in ClinVar:

ClinVar aggregate classification (germline): Uncertain significance (1 of 4 stars; one submission).

Conditions:
Ullrich congenital muscular dystrophy 2 (UCMD2). Identifiers: Orphanet 75840, MedGen C4225314, MONDO:0014654, OMIM 616470.
Bethlem myopathy 2 (BTHLM2). Identifiers: Orphanet 536516, Orphanet 610, MedGen C4225313, MONDO:0034022, OMIM 616471.

gnomAD v4.1: 1 of 1,613,146 alleles (0.000062%); highest among the groups gnomAD compares: African/African-American, 0.0013%; no homozygotes.

Submission:

Labcorp Genetics (formerly Invitae), Labcorp
Classification: Uncertain significance for Bethlem myopathy 2; Ullrich congenital muscular dystrophy 2. Last evaluated: 2025-08-04. Review status: criteria provided, single submitter. Criteria: Invitae Variant Classification Sherloc (09022015). Collection method: clinical testing. Allele origin: germline.
Comment: This sequence change falls in intron 15 of the COL12A1 gene. It does not directly change the encoded amino acid sequence of the COL12A1 protein. It affects a nucleotide within the consensus splice site. This variant is not present in population databases (gnomAD no frequency). This variant has not been reported in the literature in individuals affected with COL12A1-related conditions. Variants that disrupt the consensus splice site are a relatively common cause of aberrant splicing (PMID: 17576681, 9536098). Algorithms developed to predict the effect of sequence changes on RNA splicing suggest that this variant is not likely to affect RNA splicing. In summary, the available evidence is currently insufficient to determine the role of this variant in disease. Therefore, it has been classified as a Variant of Uncertain Significance.

Literature cited by the submitters: PubMed 17576681; PubMed 9536098.

NM_004370.6(COL12A1):c.3250+5G>A

Gene: COL12A1 (collagen type XII alpha 1 chain; minus strand). Cytogenetic location: 6q13.
Variant type: single nucleotide variant.
Coding change: c.3250+5G>A on transcript NM_004370.6 (MANE Select); 5 bases into the intron after coding-DNA position 3250, G replaced by A.
Molecular consequence: intron variant.
Genome position (GRCh38, 1-based): chr6:75,156,252, C>T on the plus strand (G>A on the coding strand, the complement: COL12A1 is on the minus strand). VCF-style: chr6-75156252-C-T. GRCh37 (hg19) VCF-style: chr6-75865968-C-T.
Other names: c.3250+5G>A (NM_001424114.1, NM_001424113.1); c.74-3770G>A (NM_001424116.1, NM_080645.3); c.2977+5G>A (NM_001424115.1).
Identifiers: ClinVar variation 4785737 (VCV004785737.1).